The following is an entry in ClinVar:

NM_000179.3(MSH6):c.2229G>A (p.Leu743=)

Gene: MSH6 (mutS homolog 6; plus strand). Cytogenetic location: 2p16.3.
Variant type: single nucleotide variant.
Coding change: c.2229G>A on transcript NM_000179.3 (MANE Select); coding-DNA position 2229, G replaced by A.
Protein change: p.Leu743=; no amino-acid change (leucine 743 retained).
Molecular consequence: synonymous variant.
Genome position (GRCh38, 1-based): chr2:47,800,212, G>A. VCF-style: chr2-47800212-G-A. GRCh37 (hg19) VCF-style: chr2-48027351-G-A.
Other names: c.1839G>A, p.Leu613= (NM_001281492.2); c.1323G>A, p.Leu441= (NM_001281493.2, NM_001281494.2).
Identifiers: ClinVar variation 383014 (VCV000383014.7), dbSNP rs1057521504, ClinGen allele CA16604318.

ClinVar aggregate classification (germline): Benign/Likely benign. Review status: criteria provided, multiple submitters, no conflicts (2 of 4 stars). 4 submissions from 4 submitters: Benign (1); Likely benign (3). Last evaluated 2024-12-30.

Conditions:
Hereditary nonpolyposis colorectal neoplasms. Identifiers: MedGen C0009405, MeSH D003123.
Lynch syndrome 5 (LYNCH5). Also called: Hereditary non-polyposis colorectal cancer, type 5; Colorectal cancer, hereditary nonpolyposis, type 5. Identifiers: Orphanet 144, MedGen C1833477, MONDO:0013710, OMIM 614350. Disease mechanism: loss of function.
Hereditary cancer-predisposing syndrome. Also called: Hereditary Cancer Syndrome; Hereditary neoplastic syndrome; Neoplastic Syndromes, Hereditary; Tumor predisposition. Identifiers: Orphanet 140162, MedGen C0027672, MeSH D009386, MONDO:0015356.

Allele frequency attached by ClinVar (database versions not stated): TOPMed 0.00001.

Submissions (4):

Myriad Genetics, Inc.
Classification: Benign for Lynch syndrome 5. Last evaluated: 2024-12-30. Review status: criteria provided, single submitter. Criteria: Myriad Autosomal Dominant, Autosomal Recessive and X-Linked Classification Criteria (2023). Collection method: clinical testing. Allele origin: unknown.
Comment: This variant is considered benign. This variant is a silent/synonymous amino acid change and it is not expected to impact splicing.

Labcorp Genetics (formerly Invitae), Labcorp
Classification: Likely benign for Hereditary nonpolyposis colorectal neoplasms. Last evaluated: 2023-11-11. Review status: criteria provided, single submitter. Criteria: Invitae Variant Classification Sherloc (09022015). Collection method: clinical testing. Allele origin: germline.

Ambry Genetics
Classification: Likely benign for Hereditary cancer-predisposing syndrome. Last evaluated: 2020-06-14. Review status: criteria provided, single submitter. Criteria: Ambry Variant Classification Scheme 2023. Collection method: clinical testing. Allele origin: germline.

GeneDx
Classification: Likely benign. Last evaluated: 2016-01-12. Review status: criteria provided, single submitter. Criteria: GeneDx Variant Classification (06012015). Collection method: clinical testing. Allele origin: germline. Affected: yes.
Comment: This variant is considered likely benign or benign based on one or more of the following criteria: it is a conservative change, it occurs at a poorly conserved position in the protein, it is predicted to be benign by multiple in silico algorithms, and/or has population frequency not consistent with disease.